The following is an entry in ClinVar:

ClinVar aggregate classification (germline): Uncertain significance. Review status: criteria provided, multiple submitters, no conflicts (2 of 4 stars). 3 submissions from 3 submitters: Uncertain significance (3). Last evaluated 2022-02-07.

Conditions:
PHARC syndrome. Also called: Polyneuropathy-hearing loss-ataxia-retinitis pigmentosa-cataract syndrome. Identifiers: Orphanet 171848, MedGen C2675204, MONDO:0012984, OMIM 612674.

Allele frequency attached by ClinVar (database versions not stated): ExAC 0.00001; gnomAD 0.00001; gnomAD exomes 0.00001.
gnomAD v4.1: 11 of 1,610,024 alleles (0.00068%); highest among the groups gnomAD compares: Middle Eastern, 0.017%; no homozygotes.

Submissions (3):

Blueprint Genetics
Classification: Uncertain significance. Last evaluated: 2022-02-07. Review status: criteria provided, single submitter. Criteria: ACMG Guidelines, 2015. Collection method: clinical testing. Allele origin: germline.

GeneDx
Classification: Uncertain significance. Last evaluated: 2019-09-12. Review status: criteria provided, single submitter. Criteria: GeneDx Variant Classification Process June 2021. Collection method: clinical testing. Allele origin: germline. Affected: yes.
Comment: Not observed at a significant frequency in large population cohorts (Lek et al., 2016); In silico analysis, which includes protein predictors and evolutionary conservation, supports that this variant does not alter protein structure/function; Has not been previously published as pathogenic or benign to our knowledge

Illumina Laboratory Services, Illumina
Classification: Uncertain significance for PHARC syndrome. Last evaluated: 2018-01-13. Review status: criteria provided, single submitter. Criteria: ICSL Variant Classification Criteria 13 December 2019. Collection method: clinical testing. Allele origin: germline.

NM_001042472.3(ABHD12):c.875G>A (p.Arg292Gln)

Gene: ABHD12 (abhydrolase domain containing 12, lysophospholipase; minus strand). Cytogenetic location: 20p11.21.
Variant type: single nucleotide variant.
Coding change: c.875G>A on transcript NM_001042472.3 (MANE Select); coding-DNA position 875, G replaced by A.
Protein change: p.Arg292Gln; replaces arginine 292 with glutamine.
Molecular consequence: missense variant.
Genome position (GRCh38, 1-based): chr20:25,306,908, C>T on the plus strand (G>A on the coding strand, the complement: ABHD12 is on the minus strand). VCF-style: chr20-25306908-C-T. GRCh37 (hg19) VCF-style: chr20-25287544-C-T.
Other names: c.875G>A, p.Arg292Gln (NM_015600.5); short protein forms R292Q.
Identifiers: ClinVar variation 895671 (VCV000895671.6), dbSNP rs771187489, ClinGen allele CA9795947.
Genomic context (GRCh38, chr20:25,306,908, plus strand): 5'-AATTTAATTCCACTACTTGTAATAGGATCAAGGAAGAACCAGTCAAACCCAGGGAAGTAT[C>T]GATATATCTGGAGACAAGATGGAAACCATTTTCAGAAGCGTTGGTTAAGATATCCAGGCA-3'
Protein context (NP_001035937.1, residues 282-302): AKSHPFSVIY[Arg292Gln]YFPGFDWFFL